The following is an entry in ClinVar:

ClinVar aggregate classification (germline): Uncertain significance. Review status: criteria provided, multiple submitters, no conflicts (2 of 4 stars). 2 submissions from 2 submitters: Uncertain significance (2). Last evaluated 2026-07-06.

Conditions:
Renal cell carcinoma. Identifiers: Orphanet 217071, MedGen C0007134, MeSH D002292, MONDO:0005086, HP:0005584.
Hereditary cancer-predisposing syndrome. Also called: Hereditary Cancer Syndrome; Tumor predisposition; Neoplastic Syndromes, Hereditary; Hereditary neoplastic syndrome. Identifiers: Orphanet 140162, MedGen C0027672, MeSH D009386, MONDO:0015356.

Submissions (2):

Ambry Genetics
Classification: Uncertain significance for Hereditary cancer-predisposing syndrome. Last evaluated: 2026-07-06. Review status: criteria provided, single submitter. Criteria: Ambry Variant Classification Scheme 2023. Collection method: clinical testing. Allele origin: germline.
Comment: The p.E746D variant (also known as c.2238A>T), located in coding exon 8 of the MET gene, results from an A to T substitution at nucleotide position 2238. The glutamic acid at codon 746 is replaced by aspartic acid, an amino acid with highly similar properties. This amino acid position is conserved. In addition, this alteration is predicted to be tolerated by in silico analysis. Based on the available evidence, the clinical significance of this variant remains unclear.

Labcorp Genetics (formerly Invitae), Labcorp
Classification: Uncertain significance for Renal cell carcinoma. Last evaluated: 2024-09-03. Review status: criteria provided, single submitter. Criteria: Invitae Variant Classification Sherloc (09022015). Collection method: clinical testing. Allele origin: germline.
Comment: This sequence change replaces glutamic acid, which is acidic and polar, with aspartic acid, which is acidic and polar, at codon 746 of the MET protein (p.Glu746Asp). This variant is not present in population databases (gnomAD no frequency). This variant has not been reported in the literature in individuals affected with MET-related conditions. ClinVar contains an entry for this variant (Variation ID: 1508658). Invitae Evidence Modeling of protein sequence and biophysical properties (such as structural, functional, and spatial information, amino acid conservation, physicochemical variation, residue mobility, and thermodynamic stability) indicates that this missense variant is not expected to disrupt MET protein function with a negative predictive value of 80%. In summary, the available evidence is currently insufficient to determine the role of this variant in disease. Therefore, it has been classified as a Variant of Uncertain Significance.

NM_000245.4(MET):c.2238A>T (p.Glu746Asp)

Gene: MET (MET proto-oncogene, receptor tyrosine kinase; plus strand). Cytogenetic location: 7q31.2.
Variant type: single nucleotide variant.
Coding change: c.2238A>T on transcript NM_000245.4 (MANE Select); coding-DNA position 2238, A replaced by T.
Protein change: p.Glu746Asp; replaces glutamic acid 746 with aspartic acid.
Molecular consequence: missense variant.
Genome position (GRCh38, 1-based): chr7:116,758,594, A>T. VCF-style: chr7-116758594-A-T. GRCh37 (hg19) VCF-style: chr7-116398648-A-T.
Other names: c.2238A>T, p.Glu746Asp (NM_001127500.3, NM_001324401.3); c.948A>T, p.Glu316Asp (NM_001324402.2); c.2238A>T (NM_000245.2); short protein forms E316D, E746D.
Identifiers: ClinVar variation 1508658 (VCV001508658.9), dbSNP rs2116932511, ClinGen allele CA368980831.